The following is an entry in ClinVar:

ClinVar aggregate classification (germline): Uncertain significance. Review status: criteria provided, multiple submitters, no conflicts (2 of 4 stars). 2 submissions from 2 submitters: Uncertain significance (2). Last evaluated 2025-10-01.

Conditions:
MYH3-related disorder. Also called: MYH3-Related Disorders; MYH3-related condition. Identifiers: MedGen CN239329.

Allele frequency attached by ClinVar (database versions not stated): gnomAD exomes below 0.00001; gnomAD 0.00001; TOPMed 0.00002.
gnomAD v4.1: 8 of 1,613,920 alleles (0.0005%); highest among the groups gnomAD compares: South Asian, 0.0022%; no homozygotes.

Submissions (2):

PreventionGenetics, part of Exact Sciences
Classification: Uncertain significance for MYH3-related condition. Last evaluated: 2025-10-01. Review status: criteria provided, single submitter. Criteria: ACMG Guidelines, 2015. Collection method: clinical testing. Allele origin: germline.
Comment: The MYH3 c.2084G>A variant is predicted to result in the amino acid substitution p.Arg695Gln. To our knowledge, this variant has not been reported in the literature. This variant is reported in 0.0062% of alleles in individuals of African descent in gnomAD. At this time, the clinical significance of this variant is uncertain due to the absence of conclusive functional and genetic evidence.

Labcorp Genetics (formerly Invitae), Labcorp
Classification: Uncertain significance. Last evaluated: 2023-02-04. Review status: criteria provided, single submitter. Criteria: Invitae Variant Classification Sherloc (09022015). Collection method: clinical testing. Allele origin: germline.
Comment: This sequence change replaces arginine, which is basic and polar, with glutamine, which is neutral and polar, at codon 695 of the MYH3 protein (p.Arg695Gln). In summary, the available evidence is currently insufficient to determine the role of this variant in disease. Therefore, it has been classified as a Variant of Uncertain Significance. Advanced modeling of protein sequence and biophysical properties (such as structural, functional, and spatial information, amino acid conservation, physicochemical variation, residue mobility, and thermodynamic stability) performed at Invitae indicates that this missense variant is not expected to disrupt MYH3 protein function. This variant has not been reported in the literature in individuals affected with MYH3-related conditions. This variant is present in population databases (no rsID available, gnomAD 0.007%).

NM_002470.4(MYH3):c.2084G>A (p.Arg695Gln)

Gene: MYH3 (myosin heavy chain 3; minus strand). Cytogenetic location: 17p13.1.
Variant type: single nucleotide variant.
Coding change: c.2084G>A on transcript NM_002470.4 (MANE Select); coding-DNA position 2084, G replaced by A.
Protein change: p.Arg695Gln; replaces arginine 695 with glutamine.
Molecular consequence: missense variant.
Genome position (GRCh38, 1-based): chr17:10,641,166, C>T on the plus strand (G>A on the coding strand, the complement: MYH3 is on the minus strand). VCF-style: chr17-10641166-C-T. GRCh37 (hg19) VCF-style: chr17-10544483-C-T.
Other names: c.2084G>A (NM_002470.3); short protein forms R695Q.
Identifiers: ClinVar variation 2859855 (VCV002859855.4), dbSNP rs943488185, ClinGen allele CA287787029.